The following is an entry in ClinVar:

NM_001385641.1(SAMD11):c.1120C>G (p.Leu374Val)

Gene: SAMD11 (sterile alpha motif domain containing 11; plus strand). Cytogenetic location: 1p36.33.
Variant type: single nucleotide variant.
Coding change: c.1120C>G on transcript NM_001385641.1 (MANE Select); coding-DNA position 1120, C replaced by G.
Protein change: p.Leu374Val; replaces leucine 374 with valine.
Molecular consequence: missense variant.
Genome position (GRCh38, 1-based): chr1:939,337, C>G. VCF-style: chr1-939337-C-G. GRCh37 (hg19) VCF-style: chr1-874717-C-G.
Other names: c.1123C>G, p.Leu375Val (NM_001385640.1); c.583C>G, p.Leu195Val (NM_152486.4); c.583C>G (NM_152486.2); short protein forms L195V, L374V, L375V.
Identifiers: ClinVar variation 1441376 (VCV001441376.9), dbSNP rs940691355, ClinGen allele CA16718594.

ClinVar aggregate classification (germline): Uncertain significance. Review status: criteria provided, multiple submitters, no conflicts (2 of 4 stars). 2 submissions from 2 submitters: Uncertain significance (2). Last evaluated 2025-06-06.

Allele frequency attached by ClinVar (database versions not stated): gnomAD 0.00001 and 0.00003; 1000 Genomes Project 30x 0.00031.
gnomAD v4.1: 9 of 1,612,372 alleles (0.00056%); highest among the groups gnomAD compares: Admixed American, 0.015%; no homozygotes.

Submissions (2):

Ambry Genetics
Classification: Uncertain significance. Last evaluated: 2025-06-06. Review status: criteria provided, single submitter. Criteria: Ambry Variant Classification Scheme 2023. Collection method: clinical testing. Allele origin: germline.

Labcorp Genetics (formerly Invitae), Labcorp
Classification: Uncertain significance. Last evaluated: 2021-05-05. Review status: criteria provided, single submitter. Criteria: Invitae Variant Classification Sherloc (09022015). Collection method: clinical testing. Allele origin: germline.
Comment: In summary, the available evidence is currently insufficient to determine the role of this variant in disease. Therefore, it has been classified as a Variant of Uncertain Significance. Algorithms developed to predict the effect of missense changes on protein structure and function (SIFT, PolyPhen-2, Align-GVGD) all suggest that this variant is likely to be tolerated, but these predictions have not been confirmed by published functional studies and their clinical significance is uncertain. This variant has not been reported in the literature in individuals with SAMD11-related conditions. This variant is not present in population databases (ExAC no frequency). This sequence change replaces leucine with valine at codon 195 of the SAMD11 protein (p.Leu195Val). The leucine residue is weakly conserved and there is a small physicochemical difference between leucine and valine.